The following is an entry in ClinVar:

NM_000512.5(GALNS):c.570T>G (p.Tyr190Ter)

Gene: GALNS (galactosamine (N-acetyl)-6-sulfatase; minus strand). Cytogenetic location: 16q24.3.
Variant type: single nucleotide variant.
Coding change: c.570T>G on transcript NM_000512.5 (MANE Select); coding-DNA position 570, T replaced by G.
Protein change: p.Tyr190Ter; replaces tyrosine 190 with a stop codon.
Molecular consequence: nonsense.
Genome position (GRCh38, 1-based): chr16:88,836,264, A>C on the plus strand (T>G on the coding strand, the complement: GALNS is on the minus strand). VCF-style: chr16-88836264-A-C. GRCh37 (hg19) VCF-style: chr16-88902672-A-C.
Other names: c.15T>G, p.Tyr5Ter (NM_001323543.2); c.588T>G, p.Tyr196Ter (NM_001323544.2); short protein forms Y190*, Y196*, Y5*.
Identifiers: ClinVar variation 2731289 (VCV002731289.3), dbSNP rs1468418435, ClinGen allele CA397081598.

ClinVar aggregate classification (germline): Pathogenic (1 of 4 stars; one submission).

Conditions:
Mucopolysaccharidosis, MPS-IV-A (MPS4A). Also called: Morquio syndrome A, mild; MORQUIO SYNDROME A; GALACTOSAMINE-6-SULFATASE DEFICIENCY; GALNS DEFICIENCY; MORQUIO A DISEASE; mucopolysaccharidosis type 4A. Identifiers: Orphanet 309297, Orphanet 582, MedGen C0086651, MONDO:0009659, OMIM 253000.

Submission:

Labcorp Genetics (formerly Invitae), Labcorp
Classification: Pathogenic for Mucopolysaccharidosis, MPS-IV-A. Last evaluated: 2023-10-14. Review status: criteria provided, single submitter. Criteria: Invitae Variant Classification Sherloc (09022015). Collection method: clinical testing. Allele origin: germline.
Comment: This sequence change creates a premature translational stop signal (p.Tyr190*) in the GALNS gene. It is expected to result in an absent or disrupted protein product. Loss-of-function variants in GALNS are known to be pathogenic (PMID: 12442278). This variant is not present in population databases (gnomAD no frequency). This variant has not been reported in the literature in individuals affected with GALNS-related conditions. Algorithms developed to predict the effect of sequence changes on RNA splicing suggest that this variant may create or strengthen a splice site. For these reasons, this variant has been classified as Pathogenic.

Literature cited by the submitters: PubMed 12442278.